The following is an entry in ClinVar:

NM_003500.4(ACOX2):c.543C>T (p.His181=)

Gene: ACOX2 (acyl-CoA oxidase 2; minus strand). Cytogenetic location: 3p14.3.
Variant type: single nucleotide variant.
Coding change: c.543C>T on transcript NM_003500.4 (MANE Select); coding-DNA position 543, C replaced by T.
Protein change: p.His181=; no amino-acid change (histidine 181 retained).
Molecular consequence: synonymous variant.
Genome position (GRCh38, 1-based): chr3:58,533,485, G>A on the plus strand (C>T on the coding strand, the complement: ACOX2 is on the minus strand). VCF-style: chr3-58533485-G-A. GRCh37 (hg19) VCF-style: chr3-58519212-G-A.
Identifiers: ClinVar variation 3346054 (VCV003346054.1).
Genomic context (GRCh38, chr3:58,533,485, plus strand): 5'-GGGGGTGGATGTATACTCACAGTCTCCAGGCCACCATTTGGTGGCAGTCAGCGTGGGGCT[G>A]TGTATCACAAACTCCTGGGTGGCTGCGTCATAGGTGGCTTCAGTCTCCAGGCCCTGAAGA-3'
Protein context (NP_003491.1, residues 171-191): YDAATQEFVI[His181=]SPTLTATKWW

ClinVar aggregate classification (germline): Likely benign (0 of 4 stars; one submission).

Conditions:
ACOX2-related disorder. Also called: ACOX2-related condition.

Submission:

PreventionGenetics, part of Exact Sciences
Classification: Likely benign for ACOX2-related condition. Last evaluated: 2024-08-05. Review status: no assertion criteria provided. Collection method: clinical testing. Allele origin: germline.
Comment: This variant is classified as likely benign based on ACMG/AMP sequence variant interpretation guidelines (Richards et al. 2015 PMID: 25741868, with internal and published modifications).